The following is an entry in ClinVar:

ClinVar aggregate classification (germline): Uncertain significance (1 of 4 stars; one submission).

Conditions:
Neuropathy, hereditary sensory and autonomic, type 2A (HSAN2A). Also called: HSAN IIA; ACROOSTEOLYSIS, GIACCAI TYPE; ACROOSTEOLYSIS, NEUROGENIC; MORVAN DISEASE; NEUROPATHY, CONGENITAL SENSORY; NEUROPATHY, HEREDITARY SENSORY RADICULAR, AUTOSOMAL RECESSIVE. Identifiers: Orphanet 970, MedGen C2752089, MONDO:0024309, OMIM 201300.
Generalized epilepsy with febrile seizures plus, type 7 (GEFSP7). Also called: GEFS+, TYPE 7. Identifiers: Orphanet 36387, MedGen C2751778, MONDO:0013470, OMIM 613863.

Submission:

Labcorp Genetics (formerly Invitae), Labcorp
Classification: Uncertain significance for Neuropathy, hereditary sensory and autonomic, type 2A; Generalized epilepsy with febrile seizures plus, type 7. Last evaluated: 2020-10-21. Review status: criteria provided, single submitter. Criteria: Invitae Variant Classification Sherloc (09022015). Collection method: clinical testing. Allele origin: germline.
Comment: This sequence change replaces tryptophan with cysteine at codon 1321 of the SCN9A protein (p.Trp1321Cys). The tryptophan residue is highly conserved and there is a large physicochemical difference between tryptophan and cysteine. This variant is not present in population databases (ExAC no frequency). This variant has not been reported in the literature in individuals with SCN9A-related conditions. Algorithms developed to predict the effect of missense changes on protein structure and function (SIFT, PolyPhen-2, Align-GVGD) all suggest that this variant is likely to be disruptive, but these predictions have not been confirmed by published functional studies and their clinical significance is uncertain. In summary, the available evidence is currently insufficient to determine the role of this variant in disease. Therefore, it has been classified as a Variant of Uncertain Significance.

NM_001365536.1(SCN9A):c.3996G>T (p.Trp1332Cys)

Genes: SCN1A-AS1 (SCN1A and SCN9A antisense RNA 1; plus strand), SCN9A (sodium voltage-gated channel alpha subunit 9; minus strand). Cytogenetic location: 2q24.3.
Variant type: single nucleotide variant.
Coding change: c.3996G>T on transcript NM_001365536.1 (MANE Select); coding-DNA position 3996, G replaced by T.
Protein change: p.Trp1332Cys; replaces tryptophan 1332 with cysteine.
Molecular consequence: missense variant.
Genome position (GRCh38, 1-based): chr2:166,228,901, C>A on the plus strand (G>T on the coding strand, the complement: SCN9A is on the minus strand). VCF-style: chr2-166228901-C-A. GRCh37 (hg19) VCF-style: chr2-167085411-C-A.
Other names: c.3963G>T, p.Trp1321Cys (NM_002977.4); short protein forms W1321C, W1332C.
Identifiers: ClinVar variation 1017079 (VCV001017079.9), dbSNP rs1553479210, ClinGen allele CA349064351.